The following is an entry in ClinVar:

NM_001365999.1(SZT2):c.6812G>C (p.Gly2271Ala)

Gene: SZT2 (SZT2 subunit of KICSTOR complex; plus strand). Cytogenetic location: 1p34.2.
Variant type: single nucleotide variant.
Coding change: c.6812G>C on transcript NM_001365999.1 (MANE Select); coding-DNA position 6812, G replaced by C.
Protein change: p.Gly2271Ala; replaces glycine 2271 with alanine.
Molecular consequence: missense variant.
Genome position (GRCh38, 1-based): chr1:43,439,377, G>C. VCF-style: chr1-43439377-G-C. GRCh37 (hg19) VCF-style: chr1-43905048-G-C.
Other names: c.6641G>C, p.Gly2214Ala (NM_015284.4); short protein forms G2271A, G2214A.
Identifiers: ClinVar variation 934821 (VCV000934821.8), dbSNP rs367873208, ClinGen allele CA21644891.

ClinVar aggregate classification (germline): Uncertain significance. Review status: criteria provided, multiple submitters, no conflicts (2 of 4 stars). 3 submissions from 3 submitters: Uncertain significance (3). Last evaluated 2023-04-11.

Conditions:
Developmental and epileptic encephalopathy, 18 (DEE18). Also called: Early infantile epileptic encephalopathy 18. Identifiers: Orphanet 369894, MedGen C3809624, MONDO:0014201, OMIM 615476.
Inborn genetic diseases. Identifiers: MedGen C0950123, MeSH D030342.

Allele frequency attached by ClinVar (database versions not stated): gnomAD exomes below 0.00001 and 0.00001; gnomAD 0.00004; TOPMed 0.00004; ESP Exome Variant Server 0.00008.
gnomAD v4.1: 14 of 1,613,850 alleles (0.00087%); highest among the groups gnomAD compares: African/African-American, 0.017%; no homozygotes.

Submissions (3):

Genome-Nilou Lab
Classification: Uncertain significance for Developmental and epileptic encephalopathy, 18. Last evaluated: 2023-04-11. Review status: criteria provided, single submitter. Criteria: ACMG Guidelines, 2015. Collection method: clinical testing. Allele origin: germline. Affected: no.

Labcorp Genetics (formerly Invitae), Labcorp
Classification: Uncertain significance. Last evaluated: 2022-10-03. Review status: criteria provided, single submitter. Criteria: Invitae Variant Classification Sherloc (09022015). Collection method: clinical testing. Allele origin: germline.
Comment: This sequence change replaces glycine, which is neutral and non-polar, with alanine, which is neutral and non-polar, at codon 2214 of the SZT2 protein (p.Gly2214Ala). This variant is present in population databases (rs367873208, gnomAD 0.007%). This variant has not been reported in the literature in individuals affected with SZT2-related conditions. ClinVar contains an entry for this variant (Variation ID: 934821). Advanced modeling of protein sequence and biophysical properties (such as structural, functional, and spatial information, amino acid conservation, physicochemical variation, residue mobility, and thermodynamic stability) performed at Invitae indicates that this missense variant is not expected to disrupt SZT2 protein function. In summary, the available evidence is currently insufficient to determine the role of this variant in disease. Therefore, it has been classified as a Variant of Uncertain Significance.

Ambry Genetics
Classification: Uncertain significance for Inborn genetic diseases. Last evaluated: 2022-05-11. Review status: criteria provided, single submitter. Criteria: Ambry Variant Classification Scheme 2023. Collection method: clinical testing. Allele origin: germline.